The following is an entry in ClinVar:

NM_005739.4(RASGRP1):c.701T>C (p.Val234Ala)

Gene: RASGRP1 (RAS guanyl releasing protein 1; minus strand). Cytogenetic location: 15q14.
Variant type: single nucleotide variant.
Coding change: c.701T>C on transcript NM_005739.4 (MANE Select); coding-DNA position 701, T replaced by C.
Protein change: p.Val234Ala; replaces valine 234 with alanine.
Molecular consequence: missense variant.
Genome position (GRCh38, 1-based): chr15:38,512,931, A>G on the plus strand (T>C on the coding strand, the complement: RASGRP1 is on the minus strand). VCF-style: chr15-38512931-A-G. GRCh37 (hg19) VCF-style: chr15-38805132-A-G.
Other names: c.701T>C, p.Val234Ala (NM_001128602.2, NM_001306086.2); short protein forms V234A.
Identifiers: ClinVar variation 1347672 (VCV001347672.8), dbSNP rs1273062347, ClinGen allele CA391651950.

ClinVar aggregate classification (germline): Uncertain significance (1 of 4 stars; one submission).

Allele frequency attached by ClinVar (database versions not stated): TOPMed below 0.00001; gnomAD exomes 0.00001.
gnomAD v4.1: 5 of 1,578,300 alleles (0.00032%); no homozygotes.

Submission:

Labcorp Genetics (formerly Invitae), Labcorp
Classification: Uncertain significance. Last evaluated: 2022-08-23. Review status: criteria provided, single submitter. Criteria: Invitae Variant Classification Sherloc (09022015). Collection method: clinical testing. Allele origin: germline.
Comment: This sequence change replaces valine, which is neutral and non-polar, with alanine, which is neutral and non-polar, at codon 234 of the RASGRP1 protein (p.Val234Ala). In summary, the available evidence is currently insufficient to determine the role of this variant in disease. Therefore, it has been classified as a Variant of Uncertain Significance. Algorithms developed to predict the effect of missense changes on protein structure and function (SIFT, PolyPhen-2, Align-GVGD) all suggest that this variant is likely to be tolerated. ClinVar contains an entry for this variant (Variation ID: 1347672). This variant has not been reported in the literature in individuals affected with RASGRP1-related conditions. This variant is present in population databases (no rsID available, gnomAD 0.01%).